The following is an entry in ClinVar:

ClinVar aggregate classification (germline): Uncertain significance (1 of 4 stars; one submission).

gnomAD v4.1: 1 of 1,612,018 alleles (0.000062%); no homozygotes.

Submission:

Labcorp Genetics (formerly Invitae), Labcorp
Classification: Uncertain significance. Last evaluated: 2021-11-07. Review status: criteria provided, single submitter. Criteria: Invitae Variant Classification Sherloc (09022015). Collection method: clinical testing. Allele origin: germline.
Comment: This variant has not been reported in the literature in individuals affected with RETREG1-related conditions. This variant is not present in population databases (gnomAD no frequency). This sequence change replaces phenylalanine, which is neutral and non-polar, with isoleucine, which is neutral and non-polar, at codon 206 of the RETREG1 protein (p.Phe206Ile). Algorithms developed to predict the effect of missense changes on protein structure and function are either unavailable or do not agree on the potential impact of this missense change (SIFT: "Deleterious"; PolyPhen-2: "Probably Damaging"; Align-GVGD: "Class C15"). In summary, the available evidence is currently insufficient to determine the role of this variant in disease. Therefore, it has been classified as a Variant of Uncertain Significance.

NM_001034850.3(RETREG1):c.616T>A (p.Phe206Ile)

Gene: RETREG1 (reticulophagy regulator 1; minus strand). Cytogenetic location: 5p15.1.
Variant type: single nucleotide variant.
Coding change: c.616T>A on transcript NM_001034850.3 (MANE Select); coding-DNA position 616, T replaced by A.
Protein change: p.Phe206Ile; replaces phenylalanine 206 with isoleucine.
Molecular consequence: missense variant.
Genome position (GRCh38, 1-based): chr5:16,481,063, A>T on the plus strand (T>A on the coding strand, the complement: RETREG1 is on the minus strand). VCF-style: chr5-16481063-A-T. GRCh37 (hg19) VCF-style: chr5-16481172-A-T.
Other names: c.193T>A, p.Phe65Ile (NM_019000.5); short protein forms F206I, F65I.
Identifiers: ClinVar variation 1346112 (VCV001346112.6), dbSNP rs2126516891, ClinGen allele CA359259007.
Genomic context (GRCh38, chr5:16,481,063, plus strand): 5'-ACTTACACAGTAGATAGCTGAGTATAACCCCAGGAATGTAACTTCCCAAGATCGTAAAAA[A>T]TGTGCACACACTACAGACCAGGAGACAAAACTGGAAATAATAGAAATAACATGGGATAGT-3'
Protein context (NP_001030022.1, residues 196-216): FCLLVCSVCT[Phe206Ile]FTILGSYIPG